The following is an entry in ClinVar:

NM_000426.4(LAMA2):c.1612C>T (p.Gln538Ter)

Gene: LAMA2 (laminin subunit alpha 2; plus strand). Cytogenetic location: 6q22.33.
Variant type: single nucleotide variant.
Coding change: c.1612C>T on transcript NM_000426.4 (MANE Select); coding-DNA position 1612, C replaced by T.
Protein change: p.Gln538Ter; replaces glutamine 538 with a stop codon.
Molecular consequence: nonsense.
Genome position (GRCh38, 1-based): chr6:129,192,683, C>T. VCF-style: chr6-129192683-C-T. GRCh37 (hg19) VCF-style: chr6-129513828-C-T.
Other names: c.1612C>T, p.Gln538Ter (NM_001079823.2); short protein forms Q538*.
Identifiers: ClinVar variation 984071 (VCV000984071.4), dbSNP rs1781592001, ClinGen allele CA365608095.

ClinVar aggregate classification (germline): Likely pathogenic (1 of 4 stars; one submission).

Conditions:
LAMA2-related muscular dystrophy (LAMA2-RD). Also called: Laminin alpha 2-related dystrophy. Identifiers: MedGen C5679788, MONDO:0100228.

Allele frequency attached by ClinVar (database versions not stated): gnomAD exomes below 0.00001.

Submission:

Myriad Genetics, Inc.
Classification: Likely pathogenic for LAMA2-related muscular dystrophy. Last evaluated: 2019-02-06. Review status: criteria provided, single submitter. Criteria: Myriad Autosomal Dominant, Autosomal Recessive and X-Linked Classification Criteria (2023). Collection method: clinical testing. Allele origin: unknown.
Comment: NM_000426.3(LAMA2):c.1612C>T(Q538*) is expected to be pathogenic in the context of LAMA2-related muscular dystrophy. This variant is predicted to lead to an abnormal or absent protein product due to the creation of a premature termination codon in LAMA2, a gene where loss-of-function variants are known to be pathogenic. Please note: this variant was assessed in the context of healthy population screening.